The following is an entry in ClinVar:

NM_000466.3(PEX1):c.160dup (p.Gln54fs)

Gene: PEX1 (peroxisomal biogenesis factor 1; minus strand). Cytogenetic location: 7q21.2.
Variant type: Duplication.
Coding change: c.160dup on transcript NM_000466.3 (MANE Select); coding-DNA position 160, one base duplicated (C; older notation c.160dupC).
Protein change: p.Gln54fs; shifts the reading frame from glutamine 54.
Molecular consequence: frameshift variant. On other transcripts: 5 prime UTR variant (1).
Genome position (GRCh38, 1-based): chr7:92,522,215, G duplicated on the plus strand (C on the coding strand, the reverse complement: PEX1 is on the minus strand); the first of 2 consecutive G bases (chr7:92,522,215-92,522,216); duplicating either gives the same sequence. VCF-style (leftmost placement, unchanged base first): chr7-92522214-T-TG. GRCh37 (hg19) VCF-style: chr7-92151528-T-TG.
Other names: c.160dup, p.Gln54fs (NM_001282677.2); c.-500dup (NM_001282678.2); short protein forms Q54fs.
Identifiers: ClinVar variation 5012285 (VCV005012285.1).

ClinVar aggregate classification (germline): Pathogenic (1 of 4 stars; one submission).

Conditions:
Peroxisome biogenesis disorder. Identifiers: Orphanet 79189, MedGen C1832200, MONDO:0019234. Disease mechanism: loss of function.

Submission:

Myriad Genetics, Inc.
Classification: Pathogenic for Peroxisome biogenesis disorder. Last evaluated: 2023-09-27. Review status: criteria provided, single submitter. Criteria: Myriad Autosomal Dominant, Autosomal Recessive and X-Linked Classification Criteria (2023). Collection method: clinical testing. Allele origin: unknown.
Comment: NM_000466.2(PEX1):c.160dupC(Q54Pfs*14) is expected to be pathogenic in the context of peroxisome biogenesis disorder type 1. This variant is predicted to lead to an abnormal or absent protein product due to the creation of a premature termination codon in PEX1, a gene where loss-of-function variants are known to be pathogenic. Please note: this variant was assessed in the context of healthy population screening.